The following is an entry in ClinVar:

ClinVar aggregate classification (germline): Uncertain significance (1 of 4 stars; one submission).

Conditions:
Congenital sideroblastic anemia-B-cell immunodeficiency-periodic fever-developmental delay syndrome. Also called: Sideroblastic anemia with B-cell immunodeficiency, periodic fevers, and developmental delay. Identifiers: Orphanet 369861, MedGen C4015172, MONDO:0014487, OMIM 616084.

gnomAD v4.1: 4 of 1,612,246 alleles (0.00025%); highest among the groups gnomAD compares: Admixed American, 0.0017%; no homozygotes.

Submission:

Labcorp Genetics (formerly Invitae), Labcorp
Classification: Uncertain significance for Congenital sideroblastic anemia-B-cell immunodeficiency-periodic fever-developmental delay syndrome. Last evaluated: 2023-11-13. Review status: criteria provided, single submitter. Criteria: Invitae Variant Classification Sherloc (09022015). Collection method: clinical testing. Allele origin: germline.
Comment: This sequence change replaces proline, which is neutral and non-polar, with leucine, which is neutral and non-polar, at codon 345 of the TRNT1 protein (p.Pro345Leu). This variant is present in population databases (no rsID available, gnomAD 0.007%). This variant has not been reported in the literature in individuals affected with TRNT1-related conditions. ClinVar contains an entry for this variant (Variation ID: 2159777). Advanced modeling of protein sequence and biophysical properties (such as structural, functional, and spatial information, amino acid conservation, physicochemical variation, residue mobility, and thermodynamic stability) performed at Invitae indicates that this missense variant is not expected to disrupt TRNT1 protein function with a negative predictive value of 80%. In summary, the available evidence is currently insufficient to determine the role of this variant in disease. Therefore, it has been classified as a Variant of Uncertain Significance.

NM_182916.3(TRNT1):c.1034C>T (p.Pro345Leu)

Gene: TRNT1 (tRNA nucleotidyl transferase 1; plus strand). Cytogenetic location: 3p26.2.
Variant type: single nucleotide variant.
Coding change: c.1034C>T on transcript NM_182916.3 (MANE Select); coding-DNA position 1034, C replaced by T.
Protein change: p.Pro345Leu; replaces proline 345 with leucine.
Molecular consequence: missense variant. On other transcripts: non-coding transcript variant (8).
Genome position (GRCh38, 1-based): chr3:3,147,681, C>T. VCF-style: chr3-3147681-C-T. GRCh37 (hg19) VCF-style: chr3-3189365-C-T.
Other names: c.974C>T, p.Pro325Leu (NM_001302946.2); c.1034C>T, p.Pro345Leu (NM_001367321.1, NM_001367322.1, NM_001367323.1); short protein forms P345L, P325L.
Identifiers: ClinVar variation 2159777 (VCV002159777.4), dbSNP rs1255063646, ClinGen allele CA351448321.
Genomic context (GRCh38, chr3:3,147,681, plus strand): 5'-TTATAGTTAAAAATAGGAAAGATTTAATTAAAGCAACAGATAGTTCAGACCCATTGAAAC[C>T]CTATCAAGACTTCATTATAGATGTAAGTATATACTAGGCTTGGTCAGAAATATGAAGTAT-3'
Protein context (NP_886552.3, residues 335-355): KATDSSDPLK[Pro345Leu]YQDFIIDSRE